The following is an entry in ClinVar:

ClinVar aggregate classification (germline): Likely benign (1 of 4 stars; one submission).

Allele frequency attached by ClinVar (database versions not stated): gnomAD 0.00892 and 0.00852; 1000 Genomes Project 0.00559; 1000 Genomes Project 30x 0.00625; TOPMed 0.00634.
gnomAD v4.1: 1,340 of 151,634 alleles (0.88%); highest among the groups gnomAD compares: South Asian, 2.2%; 14 homozygotes.

Submission:

GeneDx
Classification: Likely benign. Last evaluated: 2018-06-14. Review status: criteria provided, single submitter. Criteria: GeneDx Variant Classification (06012015). Collection method: clinical testing. Allele origin: germline. Affected: yes.
Comment: This variant is considered likely benign or benign based on one or more of the following criteria: it is a conservative change, it occurs at a poorly conserved position in the protein, it is predicted to be benign by multiple in silico algorithms, and/or has population frequency not consistent with disease.

NM_001035.3(RYR2):c.6440+229C>T

Gene: RYR2 (ryanodine receptor 2; plus strand). Cytogenetic location: 1q43.
Variant type: single nucleotide variant.
Coding change: c.6440+229C>T on transcript NM_001035.3 (MANE Select); 229 bases into the intron after coding-DNA position 6440, C replaced by T.
Molecular consequence: intron variant.
Genome position (GRCh38, 1-based): chr1:237,628,309, C>T. VCF-style: chr1-237628309-C-T. GRCh37 (hg19) VCF-style: chr1-237791609-C-T.
Identifiers: ClinVar variation 679563 (VCV000679563.1), dbSNP rs189715688, ClinGen allele CA39839946.